The following is an entry in ClinVar:

ClinVar aggregate classification (germline): Uncertain significance (1 of 4 stars; one submission).

Conditions:
Familial hemophagocytic lymphohistiocytosis 3 (FHL3). Also called: UNC13D-Related Familial Hemophagocytic Lymphohistiocytosis (UNC13D-fHLH). Identifiers: Orphanet 540, MedGen C1837174, MONDO:0012146, OMIM 608898.

gnomAD v4.1: 3 of 1,613,298 alleles (0.00019%); highest among the groups gnomAD compares: Non-Finnish European, 0.00025%; no homozygotes.

Submission:

Labcorp Genetics (formerly Invitae), Labcorp
Classification: Uncertain significance for Familial hemophagocytic lymphohistiocytosis 3. Last evaluated: 2022-06-13. Review status: criteria provided, single submitter. Criteria: Invitae Variant Classification Sherloc (09022015). Collection method: clinical testing. Allele origin: germline.
Comment: This sequence change replaces arginine, which is basic and polar, with proline, which is neutral and non-polar, at codon 172 of the UNC13D protein (p.Arg172Pro). This variant is not present in population databases (gnomAD no frequency). This variant has not been reported in the literature in individuals affected with UNC13D-related conditions. Algorithms developed to predict the effect of missense changes on protein structure and function are either unavailable or do not agree on the potential impact of this missense change (SIFT: "Not Available"; PolyPhen-2: "Probably Damaging"; Align-GVGD: "Not Available"). In summary, the available evidence is currently insufficient to determine the role of this variant in disease. Therefore, it has been classified as a Variant of Uncertain Significance.

NM_199242.3(UNC13D):c.515G>C (p.Arg172Pro)

Gene: UNC13D (unc-13 homolog D; minus strand). Cytogenetic location: 17q25.1.
Variant type: single nucleotide variant.
Coding change: c.515G>C on transcript NM_199242.3 (MANE Select); coding-DNA position 515, G replaced by C.
Protein change: p.Arg172Pro; replaces arginine 172 with proline.
Molecular consequence: missense variant.
Genome position (GRCh38, 1-based): chr17:75,842,487, C>G on the plus strand (G>C on the coding strand, the complement: UNC13D is on the minus strand). VCF-style: chr17-75842487-C-G. GRCh37 (hg19) VCF-style: chr17-73838568-C-G.
Other names: short protein forms R172P.
Identifiers: ClinVar variation 1471717 (VCV001471717.5), dbSNP rs769659694, ClinGen allele CA401113967.
Genomic context (GRCh38, chr17:75,842,487, plus strand): 5'-ACGTACAGGATGAAGGTCTCGTCCCAGACGGGGTTGAGTGTCTGGGTGATGACCTGCGTG[C>G]GGTGGGTCTCCTCCTCGGGGATGGTGTGCCTCACCACAGCCTTCTGCCGATGCCGGGACC-3'
Protein context (NP_954712.1, residues 162-182): RHTIPEEETH[Arg172Pro]TQVITQTLNP